The following is an entry in ClinVar:

NM_013275.6(ANKRD11):c.2947_2948del (p.Ser983fs)

Gene: ANKRD11 (ankyrin repeat domain 11; minus strand). Cytogenetic location: 16q24.3.
Variant type: Microsatellite.
Coding change: c.2947_2948del on transcript NM_013275.6 (MANE Select); coding-DNA positions 2947 to 2948, 2 bases deleted (AG; older notation c.2947_2948delAG).
Protein change: p.Ser983fs; shifts the reading frame from serine 983.
Molecular consequence: frameshift variant.
Genome position (GRCh38, 1-based): chr16:89,283,594-89,283,595, CT deleted on the plus strand (AG on the coding strand, the reverse complement: ANKRD11 is on the minus strand); deleting any 2 consecutive bases within chr16:89,283,594-89,283,598 gives the same sequence; the c. name uses the placement nearest the transcript's 3' end. VCF-style (leftmost placement, unchanged base first): chr16-89283593-ACT-A. GRCh37 (hg19) VCF-style: chr16-89350001-ACT-A.
Other names: c.2947_2948del, p.Ser983fs (NM_001256182.2, NM_001256183.2); short protein forms S983fs.
Identifiers: ClinVar variation 3237188 (VCV003237188.1), dbSNP rs2544239269.
Genomic context (GRCh38, chr16:89,283,593, plus strand): 5'-GTGCCGTTCCCACGGCTCCAGGCCCTTCCCAAAGTCGCCGTCGGACTTGTCCTTGAAGCC[ACT>A]CTCGCAGCCACACTCCTTCAGCTCCTCCCGGTGCGCCTCCTCGGGCTTGGCCCTGCCGTC-3'

ClinVar aggregate classification (germline): Pathogenic (1 of 4 stars; one submission).

Conditions:
KBG syndrome (KBGS). Also called: ANKRD11-Related KBG Syndrome. Identifiers: Orphanet 2332, MedGen C0220687, MONDO:0007846, OMIM 148050.

Submission:

HUSP Clinical Genetics Laboratory, Hospital Universitario San Pedro De Logroño (HUSP)
Classification: Pathogenic for KBG syndrome. Review status: criteria provided, single submitter. Criteria: ACMG Guidelines, 2015. Collection method: clinical testing. Allele origin: de novo. Inheritance: Autosomal dominant inheritance. Affected: yes. Observed: 1 variant allele.
Comment: The c.2947_2948del variant in the exon 9 of ANKRD11 (NM_013275.6) results in a premature termination codon producing a truncated protein (p.Ser983TrpfsTer34). This variant is not detected in general population has not been previously reported in pathogenicity data bases (Clinvar, HGMD). In silico tools predict that this variant affects the function of the protein and label it as pathogenic. Pathogenic variants in ANKRD11 have been associated with KBG Syndrome (OMIM: 148050), with autosomal dominant inheritance.